The following is an entry in ClinVar:

NM_007315.4(STAT1):c.1849G>A (p.Val617Met)

Gene: STAT1 (signal transducer and activator of transcription 1; minus strand). Cytogenetic location: 2q32.2.
Variant type: single nucleotide variant.
Coding change: c.1849G>A on transcript NM_007315.4 (MANE Select); coding-DNA position 1849, G replaced by A.
Protein change: p.Val617Met; replaces valine 617 with methionine.
Molecular consequence: missense variant.
Genome position (GRCh38, 1-based): chr2:190,978,880, C>T on the plus strand (G>A on the coding strand, the complement: STAT1 is on the minus strand). VCF-style: chr2-190978880-C-T. GRCh37 (hg19) VCF-style: chr2-191843606-C-T.
Other names: c.1789G>A, p.Val597Met (NM_001384880.1); c.1855G>A, p.Val619Met (NM_001384881.1, NM_001384884.1); c.1843G>A, p.Val615Met (NM_001384882.1); c.1750G>A, p.Val584Met (NM_001384883.1); c.1690G>A, p.Val564Met (NM_001384885.1); c.1849G>A, p.Val617Met (NM_001384886.1, NM_001384889.1, NM_139266.3); c.1756G>A, p.Val586Met (NM_001384887.1); c.1819G>A, p.Val607Met (NM_001384888.1); and 2 more; short protein forms V607M, V615M, V564M, V584M, V617M, V586M, V587M, V597M.
Identifiers: ClinVar variation 2053779 (VCV002053779.4), dbSNP rs2125007233, ClinGen allele CA349913416.

ClinVar aggregate classification (germline): Uncertain significance (1 of 4 stars; one submission).

Conditions:
Mendelian susceptibility to mycobacterial diseases due to partial STAT1 deficiency. Also called: Immunodeficiency 31a; IMMUNODEFICIENCY 31A, MYCOBACTERIOSIS, AUTOSOMAL DOMINANT; STAT1 DEFICIENCY, AUTOSOMAL DOMINANT. Identifiers: Orphanet 319595, MedGen C4013950, MONDO:0013956, OMIM 614892.
Immunodeficiency 31B. Also called: IMMUNODEFICIENCY 31B, MYCOBACTERIAL AND VIRAL INFECTIONS, AUTOSOMAL RECESSIVE; STAT1 DEFICIENCY, AUTOSOMAL RECESSIVE. Identifiers: Orphanet 391311, MedGen C3151088, MONDO:0013427, OMIM 613796.
Autoimmune enteropathy and endocrinopathy - susceptibility to chronic infections syndrome. Also called: Immunodeficiency 31C; Immunodeficiency 31C, autosomal dominant. Identifiers: Orphanet 391487, MedGen C3279990, MONDO:0013599, OMIM 614162.

Allele frequency attached by ClinVar (database versions not stated): gnomAD exomes 0.00001.
gnomAD v4.1: 3 of 1,614,162 alleles (0.00019%); highest among the groups gnomAD compares: South Asian, 0.0033%; no homozygotes.

Submission:

Labcorp Genetics (formerly Invitae), Labcorp
Classification: Uncertain significance for Mendelian susceptibility to mycobacterial diseases due to partial STAT1 deficiency; Immunodeficiency 31B; Autoimmune enteropathy and endocrinopathy - susceptibility to chronic infections syndrome. Last evaluated: 2022-04-23. Review status: criteria provided, single submitter. Criteria: Invitae Variant Classification Sherloc (09022015). Collection method: clinical testing. Allele origin: germline.
Comment: This sequence change replaces valine, which is neutral and non-polar, with methionine, which is neutral and non-polar, at codon 617 of the STAT1 protein (p.Val617Met). This variant is not present in population databases (gnomAD no frequency). This variant has not been reported in the literature in individuals affected with STAT1-related conditions. Algorithms developed to predict the effect of missense changes on protein structure and function output the following: SIFT: "Tolerated"; PolyPhen-2: "Possibly Damaging"; Align-GVGD: "Class C0". The methionine amino acid residue is found in multiple mammalian species, which suggests that this missense change does not adversely affect protein function. In summary, the available evidence is currently insufficient to determine the role of this variant in disease. Therefore, it has been classified as a Variant of Uncertain Significance.